The following is an entry in ClinVar:

ClinVar aggregate classification (germline): Pathogenic. Review status: criteria provided, multiple submitters, no conflicts (2 of 4 stars). 3 submissions from 3 submitters: Pathogenic (3). Last evaluated 2023-11-21.

Conditions:
Autosomal recessive multiple pterygium syndrome. Also called: MULTIPLE PTERYGIUM SYNDROME, ESCOBAR VARIANT; PTERYGIUM COLLI SYNDROME; PTERYGIUM SYNDROME; PTERYGIUM UNIVERSALE. Identifiers: Orphanet 2990, MedGen C0265261, MONDO:0009926, OMIM 265000.
CHRNG-related disorder. Also called: CHRNG-related disorders; CHRNG-related condition.

Allele frequency attached by ClinVar (database versions not stated): TOPMed below 0.00001; gnomAD 0.00001; gnomAD exomes 0.00002.
gnomAD v4.1: 31 of 1,613,994 alleles (0.0019%); highest among the groups gnomAD compares: Non-Finnish European, 0.00068%; no homozygotes.

Submissions (3):

Blueprint Genetics
Classification: Pathogenic for CHRNG-related disorders. Last evaluated: 2023-11-21. Review status: criteria provided, single submitter. Criteria: ACMG Guidelines, 2015. Collection method: clinical testing. Allele origin: germline. Affected: yes. Observed: 5 variant alleles.

Labcorp Genetics (formerly Invitae), Labcorp
Classification: Pathogenic. Last evaluated: 2023-09-05. Review status: criteria provided, single submitter. Criteria: Invitae Variant Classification Sherloc (09022015). Collection method: clinical testing. Allele origin: germline.
Comment: This sequence change creates a premature translational stop signal (p.Trp140*) in the CHRNG gene. It is expected to result in an absent or disrupted protein product. Loss-of-function variants in CHRNG are known to be pathogenic (PMID: 16826520). This variant is present in population databases (rs201762781, gnomAD 0.06%). For these reasons, this variant has been classified as Pathogenic. Algorithms developed to predict the effect of sequence changes on RNA splicing suggest that this variant may disrupt the consensus splice site. ClinVar contains an entry for this variant (Variation ID: 2506924). This variant has not been reported in the literature in individuals affected with CHRNG-related conditions.

Molecular Diagnostics Lab, Nemours Children's Health, Delaware
Classification: Pathogenic for Autosomal recessive multiple pterygium syndrome. Last evaluated: 2019-12-17. Review status: criteria provided, single submitter. Criteria: ACMG Guidelines, 2015. Collection method: clinical testing. Allele origin: unknown. Inheritance: Autosomal recessive inheritance. Affected: yes. Observed: 2 compound heterozygotes. Clinical features observed: Scoliosis (HP:0002650), Kyphosis (HP:0002808), Arthrogryposis multiplex congenita (HP:0002804), Talipes calcaneovalgus (HP:0001884), Cryptorchidism (HP:0000028).

Literature cited by the submitters: PubMed 16826520 (cited by Labcorp Genetics (formerly Invitae), Labcorp); PubMed 27245440 (cited by Molecular Diagnostics Lab, Nemours Children's Health, Delaware).

NM_005199.5(CHRNG):c.420G>A (p.Trp140Ter)

Gene: CHRNG (cholinergic receptor nicotinic gamma subunit; plus strand). Cytogenetic location: 2q37.1.
Variant type: single nucleotide variant.
Coding change: c.420G>A on transcript NM_005199.5 (MANE Select); coding-DNA position 420, G replaced by A.
Protein change: p.Trp140Ter; replaces tryptophan 140 with a stop codon.
Molecular consequence: nonsense.
Genome position (GRCh38, 1-based): chr2:232,541,443, G>A. VCF-style: chr2-232541443-G-A. GRCh37 (hg19) VCF-style: chr2-233406153-G-A.
Other names: short protein forms W140*.
Identifiers: ClinVar variation 2506924 (VCV002506924.6), dbSNP rs201762781, ClinGen allele CA2168658.